The following is an entry in ClinVar:

NM_000287.4(PEX6):c.1607G>A (p.Arg536Gln)

Gene: PEX6 (peroxisomal biogenesis factor 6; minus strand). Cytogenetic location: 6p21.1.
Variant type: single nucleotide variant.
Coding change: c.1607G>A on transcript NM_000287.4 (MANE Select); coding-DNA position 1607, G replaced by A.
Protein change: p.Arg536Gln; replaces arginine 536 with glutamine.
Molecular consequence: missense variant. On other transcripts: non-coding transcript variant (1).
Genome position (GRCh38, 1-based): chr6:42,968,371, C>T on the plus strand (G>A on the coding strand, the complement: PEX6 is on the minus strand). VCF-style: chr6-42968371-C-T. GRCh37 (hg19) VCF-style: chr6-42936109-C-T.
Other names: c.1343G>A, p.Arg448Gln (NM_001316313.2); short protein forms R536Q, R448Q.
Identifiers: ClinVar variation 593404 (VCV000593404.14), dbSNP rs138431842, ClinGen allele CA3811281.

ClinVar aggregate classification (germline): Uncertain significance. Review status: criteria provided, multiple submitters, no conflicts (2 of 4 stars). 5 submissions from 5 submitters: Uncertain significance (4). 1 of the submissions does not count toward it. Last evaluated 2026-03-15.

Conditions:
Zellweger spectrum disorders (ZS). Also called: Zellweger Spectrum Disorder; Zellweger Spectrum; Zellweger syndrome; Zellweger Spectrum Disorder (ZSD). Identifiers: Orphanet 912, MedGen C0043459, MONDO:0019609.
PEX6-related disorder. Also called: PEX6-related condition; PEX6-related disorders.
Peroxisome biogenesis disorder. Identifiers: Orphanet 79189, MedGen C1832200, MONDO:0019234. Disease mechanism: loss of function.

Allele frequency attached by ClinVar (database versions not stated): TOPMed 0.00006; gnomAD 0.00009; gnomAD exomes 0.00013; ExAC 0.00014; 1000 Genomes Project 30x 0.00016; 1000 Genomes Project 0.00020.
gnomAD v4.1: 93 of 1,614,162 alleles (0.0058%); highest among the groups gnomAD compares: Middle Eastern, 0.033%; no homozygotes.

Submissions (5):

PreventionGenetics, part of Exact Sciences
Classification: Uncertain significance for PEX6-related condition. Last evaluated: 2026-03-15. Review status: criteria provided, single submitter. Criteria: ACMG Guidelines, 2015. Collection method: clinical testing. Allele origin: germline.
Comment: The PEX6 c.1607G>A variant is predicted to result in the amino acid substitution p.Arg536Gln. To our knowledge, this variant has not been reported in the literature. This variant is reported in 0.060% of alleles in individuals of European (Finnish) descent in gnomAD. Although we suspect that this variant may be benign, at this time, the clinical significance of this variant is uncertain due to the absence of conclusive functional and genetic evidence.

Labcorp Genetics (formerly Invitae), Labcorp
Classification: Uncertain significance for Peroxisome biogenesis disorder. Last evaluated: 2024-10-26. Review status: criteria provided, single submitter. Criteria: Invitae Variant Classification Sherloc (09022015). Collection method: clinical testing. Allele origin: germline.
Comment: This sequence change replaces arginine, which is basic and polar, with glutamine, which is neutral and polar, at codon 536 of the PEX6 protein (p.Arg536Gln). This variant is present in population databases (rs138431842, gnomAD 0.05%). This variant has not been reported in the literature in individuals affected with PEX6-related conditions. ClinVar contains an entry for this variant (Variation ID: 593404). Invitae Evidence Modeling of protein sequence and biophysical properties (such as structural, functional, and spatial information, amino acid conservation, physicochemical variation, residue mobility, and thermodynamic stability) indicates that this missense variant is not expected to disrupt PEX6 protein function with a negative predictive value of 95%. In summary, the available evidence is currently insufficient to determine the role of this variant in disease. Therefore, it has been classified as a Variant of Uncertain Significance.

Blueprint Genetics
Classification: Uncertain significance. Last evaluated: 2024-09-19. Review status: criteria provided, single submitter. Criteria: ACMG Guidelines, 2015. Collection method: clinical testing. Allele origin: germline.

Eurofins Ntd Llc (ga)
Classification: Uncertain significance. Last evaluated: 2017-07-24. Review status: criteria provided, single submitter. Criteria: EGL Classification Definitions 2015. Collection method: clinical testing. Allele origin: germline. Observed: 1 variant allele, 1 heterozygote.

Natera, Inc.
Classification: Uncertain significance for Zellweger syndrome. Last evaluated: 2019-10-28. Review status: no assertion criteria provided. Collection method: clinical testing. Allele origin: germline. Not counted in ClinVar's aggregate classification.